The following is an entry in ClinVar:

ClinVar aggregate classification (germline): Conflicting classifications of pathogenicity. Review status: criteria provided, conflicting classifications (1 of 4 stars). 3 submissions from 3 submitters: Pathogenic (1); Uncertain significance (2). Last evaluated 2025-04-09.

Conditions:
SETD1A-related disorder. Also called: SETD1A-related condition.
Neurodevelopmental disorder with speech impairment and dysmorphic facies. Identifiers: MedGen C5436699, MONDO:0033630, OMIM 619056.

Allele frequency attached by ClinVar (database versions not stated): gnomAD exomes below 0.00001; ExAC 0.00001.

Submissions (3):

PreventionGenetics, part of Exact Sciences
Classification: Uncertain significance for SETD1A-related condition. Last evaluated: 2025-04-09. Review status: criteria provided, single submitter. Criteria: ACMG Guidelines, 2015. Collection method: clinical testing. Allele origin: germline.
Comment: The SETD1A c.2770G>A variant is predicted to result in the amino acid substitution p.Asp924Asn. To our knowledge, this variant has not been reported in the literature. This variant is reported in 0.00088% of alleles in individuals of European (Non-Finnish) descent in gnomAD. At this time, the clinical significance of this variant is uncertain due to the absence of conclusive functional and genetic evidence.

Center for Medical Genetics Ghent, University of Ghent
Classification: Pathogenic for Neurodevelopmental disorder with speech impairment and dysmorphic facies. Last evaluated: 2025-03-13. Review status: criteria provided, single submitter. Criteria: ACMG Guidelines, 2015. Collection method: clinical testing. Allele origin: maternal. Affected: yes.
Comment: PM2, PVS1, PP1_PM RNA-sequencing was performed on PBMCs and showed exon 5 skip. This is believed to result in a frameshift.

Human Genetics Bochum, Ruhr University Bochum
Classification: Uncertain significance. Last evaluated: 2024-01-16. Review status: criteria provided, single submitter. Criteria: ACMG Guidelines, 2015. Collection method: clinical testing. Allele origin: germline. Affected: yes.
Comment: ACMG criteria used to clasify this variant: PP3_STR, PM2_SUP

NM_014712.3(SETD1A):c.2770G>A (p.Asp924Asn)

Gene: SETD1A (SET domain containing 1A, histone lysine methyltransferase; plus strand). Cytogenetic location: 16p11.2.
Variant type: single nucleotide variant.
Coding change: c.2770G>A on transcript NM_014712.3 (MANE Select); coding-DNA position 2770, G replaced by A.
Protein change: p.Asp924Asn; replaces aspartic acid 924 with asparagine.
Molecular consequence: missense variant.
Genome position (GRCh38, 1-based): chr16:30,967,588, G>A. VCF-style: chr16-30967588-G-A. GRCh37 (hg19) VCF-style: chr16-30978909-G-A.
Other names: c.2770G>A (NM_014712.2); short protein forms D924N.
Identifiers: ClinVar variation 3027469 (VCV003027469.3), dbSNP rs766598337, ClinGen allele CA8017014.